The following is an entry in ClinVar:

ClinVar aggregate classification (germline): Likely pathogenic (1 of 4 stars; one submission).

Conditions:
Microcephaly, normal intelligence and immunodeficiency (NBS). Also called: Nijmegen breakage syndrome; Microcephaly with normal intelligence immunodeficiency and lymphoreticular malignancies; Nonsyndromal microcephaly autosomal recessive with normal intelligence; Seemanova syndrome 2; BERLIN BREAKAGE SYNDROME; IMMUNODEFICIENCY, MICROCEPHALY, AND CHROMOSOMAL INSTABILITY. Identifiers: Orphanet 647, MedGen C0398791, MONDO:0009623, OMIM 251260.

Submission:

Labcorp Genetics (formerly Invitae), Labcorp
Classification: Likely pathogenic for Microcephaly, normal intelligence and immunodeficiency. Last evaluated: 2023-11-06. Review status: criteria provided, single submitter. Criteria: Invitae Variant Classification Sherloc (09022015). Collection method: clinical testing. Allele origin: germline.
Comment: This sequence change affects an acceptor splice site in intron 13 of the NBN gene. It is expected to disrupt RNA splicing. Variants that disrupt the donor or acceptor splice site typically lead to a loss of protein function (PMID: 16199547), and loss-of-function variants in NBN are known to be pathogenic (PMID: 9590180, 16415040). This variant is not present in population databases (gnomAD no frequency). This variant has not been reported in the literature in individuals affected with NBN-related conditions. Algorithms developed to predict the effect of sequence changes on RNA splicing suggest that this variant may disrupt the consensus splice site. In summary, the currently available evidence indicates that the variant is pathogenic, but additional data are needed to prove that conclusively. Therefore, this variant has been classified as Likely Pathogenic.

Literature cited by the submitters: PubMed 16199547; PubMed 9590180; PubMed 16415040.

NM_002485.5(NBN):c.2071-1G>T

Gene: NBN (nibrin; minus strand). Cytogenetic location: 8q21.3.
Variant type: single nucleotide variant.
Coding change: c.2071-1G>T on transcript NM_002485.5 (MANE Select); the canonical splice acceptor site of the intron before coding-DNA position 2071, G replaced by T.
Molecular consequence: splice acceptor variant.
Genome position (GRCh38, 1-based): chr8:89,943,367, C>A on the plus strand (G>T on the coding strand, the complement: NBN is on the minus strand). VCF-style: chr8-89943367-C-A. GRCh37 (hg19) VCF-style: chr8-90955595-C-A.
Other names: c.1825-1G>T (NM_001024688.3).
Identifiers: ClinVar variation 2693563 (VCV002693563.3), dbSNP rs786201965, ClinGen allele CA371675946.